The following is an entry in ClinVar:

NM_015378.4(VPS13D):c.713T>C (p.Val238Ala)

Gene: VPS13D (vacuolar protein sorting 13 homolog D; plus strand). Cytogenetic location: 1p36.22.
Variant type: single nucleotide variant.
Coding change: c.713T>C on transcript NM_015378.4 (MANE Select); coding-DNA position 713, T replaced by C.
Protein change: p.Val238Ala; replaces valine 238 with alanine.
Molecular consequence: missense variant.
Genome position (GRCh38, 1-based): chr1:12,256,376, T>C. VCF-style: chr1-12256376-T-C. GRCh37 (hg19) VCF-style: chr1-12316433-T-C.
Other names: c.713T>C, p.Val238Ala (NM_018156.4); short protein forms V238A.
Identifiers: ClinVar variation 3666206 (VCV003666206.2).

ClinVar aggregate classification (germline): Uncertain significance (1 of 4 stars; one submission).

Submission:

Labcorp Genetics (formerly Invitae), Labcorp
Classification: Uncertain significance. Last evaluated: 2025-10-01. Review status: criteria provided, single submitter. Criteria: Invitae Variant Classification Sherloc (09022015). Collection method: clinical testing. Allele origin: germline.
Comment: This sequence change replaces valine, which is neutral and non-polar, with alanine, which is neutral and non-polar, at codon 238 of the VPS13D protein (p.Val238Ala). This variant is not present in population databases (gnomAD no frequency). This variant has not been reported in the literature in individuals affected with VPS13D-related conditions. ClinVar contains an entry for this variant (Variation ID: 3666206). Invitae Evidence Modeling of protein sequence and biophysical properties (such as structural, functional, and spatial information, amino acid conservation, physicochemical variation, residue mobility, and thermodynamic stability) indicates that this missense variant is not expected to disrupt VPS13D protein function with a negative predictive value of 80%. In summary, the available evidence is currently insufficient to determine the role of this variant in disease. Therefore, it has been classified as a Variant of Uncertain Significance.